The following is an entry in ClinVar:

NM_001754.5(RUNX1):c.171_223del (p.Leu58fs)

Gene: RUNX1 (RUNX family transcription factor 1; minus strand). Cytogenetic location: 21q22.12.
Variant type: Deletion.
Coding change: c.171_223del on transcript NM_001754.5 (MANE Select); coding-DNA positions 171 to 223, 53 bases deleted.
Protein change: p.Leu58fs; shifts the reading frame from leucine 58.
Molecular consequence: frameshift variant.
Genome position (GRCh38, 1-based): chr21:34,886,971-34,887,023, 53 bases deleted. GRCh37 (hg19): chr21:36,259,268-36,259,320.
Other names: NM_001754.5(RUNX1):c.171_223del; p.Leu58fs; c.90_142del, p.Leu31fs (NM_001001890.3, NM_001122607.2); c.171_223del53 (NM_001754.4); short protein forms L58fs, L31fs.
Identifiers: ClinVar variation 561229 (VCV000561229.4), dbSNP rs1569084451, ClinGen allele CA658824423.

ClinVar aggregate classification (germline): Pathogenic. Review status: reviewed by expert panel (3 of 4 stars). 2 submissions from 2 submitters: Pathogenic (1). 1 of the submissions does not count toward it. Last evaluated 2024-03-26.

Conditions:
Hereditary thrombocytopenia and hematologic cancer predisposition syndrome. Identifiers: Orphanet 71290, MedGen CN281654, MONDO:0011071.

Submissions (2):

ClinGen Myeloid Malignancy Variant Curation Expert Panel
Classification: Pathogenic for Hereditary thrombocytopenia and hematologic cancer predisposition syndrome. Last evaluated: 2024-03-26. Review status: reviewed by expert panel. Criteria: ClinGen MyeloMalig ACMG Specifications v2. Collection method: curation. Allele origin: germline. Inheritance: Autosomal dominant inheritance.
Comment: The c.171_223del (p.Leu58Profs*62) variant is a frameshift deletion variant that is predicted to introduce a premature stop codon and expected to result in nonsense-mediated mRNA decay (PVS1). This variant is a nonsense/frameshift variants that is downstream of c.98 (PM5_Supporting). In summary, this variant meets criteria to be classified as pathogenic. ACMG/AMP criteria applied, as specified by the ClinGen Myeloid Malignancy Variant Curation Expert Panel for RUNX1: PVS1, PS4_supporting, and PM2_supporting.

PreventionGenetics, part of Exact Sciences
Classification: Likely pathogenic. Last evaluated: 2017-04-10. Review status: criteria provided, single submitter. Criteria: ACMG Guidelines, 2015. Collection method: clinical testing. Allele origin: germline. Not counted in ClinVar's aggregate classification.